The following is an entry in ClinVar:

ClinVar aggregate classification (germline): Uncertain significance (1 of 4 stars; one submission).

Conditions:
Epilepsy, familial focal, with variable foci 2 (FFEVF2). Identifiers: MedGen C4310709, MONDO:0014924, OMIM 617116.

Allele frequency attached by ClinVar (database versions not stated): TOPMed 0.00002; gnomAD 0.00003; 1000 Genomes Project 30x 0.00016; 1000 Genomes Project 0.00020.

Submission:

Neuberg Centre For Genomic Medicine, NCGM
Classification: Uncertain significance for Epilepsy, familial focal, with variable foci 2. Review status: criteria provided, single submitter. Criteria: ACMG Guidelines, 2015. Collection method: clinical testing. Allele origin: germline. Inheritance: Autosomal dominant inheritance. Affected: yes.
Comment: The missense c.995G>Ap.Arg332Gln variant in NPRL2 gene has not been reported previously as a pathogenic variant nor as a benign variant, to our knowledge. The variant is reported with an allele frequency of 0.003% in the gnomAD exomes database and is novel not in any individuals in 1000 Genomes database. This variant has not been reported to the ClinVar database. The amino acid change p.Arg332Gln in NPRL2 is predicted as conserved by GERP++ and PhyloP across 100 vertebrates. The amino acid Arg at position 332 is changed to a Gln changing protein sequence and it might alter its composition and physico-chemical properties. For these reasons, this variant has been classified as Variant of Uncertain Significance VUS.

NM_006545.5(NPRL2):c.995G>A (p.Arg332Gln)

Gene: NPRL2 (NPR2 like, GATOR1 complex subunit; minus strand). Cytogenetic location: 3p21.31.
Variant type: single nucleotide variant.
Coding change: c.995G>A on transcript NM_006545.5 (MANE Select); coding-DNA position 995, G replaced by A.
Protein change: p.Arg332Gln; replaces arginine 332 with glutamine.
Molecular consequence: missense variant.
Genome position (GRCh38, 1-based): chr3:50,347,839, C>T on the plus strand (G>A on the coding strand, the complement: NPRL2 is on the minus strand). VCF-style: chr3-50347839-C-T. GRCh37 (hg19) VCF-style: chr3-50385270-C-T.
Other names: short protein forms R332Q.
Identifiers: ClinVar variation 3234901 (VCV003234901.1), dbSNP rs587660975, ClinGen allele CA2417407.